The following is an entry in ClinVar:

NM_004006.3(DMD):c.961-5940_1331+2652dup

Genes: DMD (dystrophin; minus strand), MIR548F5 (microRNA 548f-5; minus strand). Cytogenetic location: Xp21.1.
Variant type: Duplication.
Coding change: c.961-5940_1331+2652dup on transcript NM_004006.3 (MANE Select); 5940 bases into the intron before coding-DNA position 961 through 2652 bases into the intron after coding-DNA position 1331, 9,613 bases duplicated.
Molecular consequence: splice acceptor variant, splice donor variant.
Genome position (GRCh38, 1-based): chrX:32,641,480-32,651,092, 9,613 bases duplicated. GRCh37 (hg19): chrX:32,659,598-32,669,210.
Other names: c.937-5940_1307+2652dup (NM_000109.4); c.949-5940_1319+2652dup (NM_004009.3); c.592-5940_962+2652dup (NM_004010.3).
Identifiers: ClinVar variation 4820225 (VCV004820225.1).

ClinVar aggregate classification (germline): Pathogenic (1 of 4 stars; one submission).

Conditions:
Duchenne muscular dystrophy (DMD). Also called: Duchenne Muscular Dystrophy (DMD); MUSCULAR DYSTROPHY, PSEUDOHYPERTROPHIC PROGRESSIVE, DUCHENNE TYPE. Identifiers: Orphanet 98896, MedGen C0013264, MONDO:0010679, OMIM 310200.

Submission:

Mendelics
Classification: Pathogenic for Duchenne muscular dystrophy. Last evaluated: 2026-03-28. Review status: criteria provided, single submitter. Criteria: ACMG Guidelines, 2015. Collection method: clinical testing. Allele origin: unknown.
Comment: Duplication of gene DMD.